The following is an entry in ClinVar:

GRCh38/hg38 Xp22.33(chrX:10679-868396)x1

Genes: CNE-2 (CNE-2 enhancer upstream of SHOX; plus strand), CNE-3 (CNE-3 enhancer upstream of SHOX; plus strand), CNE-5 (CNE-5 enhancer upstream of SHOX; plus strand), CNE4 (CNE4 enhancer downstream of SHOX; plus strand), CNE5 (CNE5 enhancer downstream of SHOX; plus strand) and 12 more. Cytogenetic location: Xp22.33.
Variant type: copy number loss.
Change: copy number 1 of chrX:10,679-868,396 (857.7 kb, GRCh38 coordinates, 1-based), cytogenetic band Xp22.33.
Identifiers: ClinVar variation 57063 (VCV000057063.1).

ClinVar aggregate classification (germline): Pathogenic (1 of 4 stars; one submission).

Submission:

ISCA site 4
Classification: Pathogenic. Last evaluated: 2011-08-12. Review status: criteria provided, single submitter. Criteria: Kaminsky et al. (Genet Med. 2011). Collection method: clinical testing. Allele origin: unknown. Affected: yes. Observed: 1 variant allele.
Comment: Copy number variation identified through the course of routine clinical cytogenomic testing in postnatal populations. Clinical assertions have been curated as described in Kaminsky et al. 2011.